The following is an entry in ClinVar:

NM_006269.2(RP1):c.1346C>T (p.Pro449Leu)

Gene: RP1 (RP1 axonemal microtubule associated; plus strand). Cytogenetic location: 8q12.1.
Variant type: single nucleotide variant.
Coding change: c.1346C>T on transcript NM_006269.2 (MANE Select); coding-DNA position 1346, C replaced by T.
Protein change: p.Pro449Leu; replaces proline 449 with leucine.
Molecular consequence: missense variant. On other transcripts: intron variant (1).
Genome position (GRCh38, 1-based): chr8:54,625,228, C>T. VCF-style: chr8-54625228-C-T. GRCh37 (hg19) VCF-style: chr8-55537788-C-T.
Other names: c.787+2940C>T (NM_001375654.1); short protein forms P449L.
Identifiers: ClinVar variation 1488163 (VCV001488163.8), dbSNP rs760968123, ClinGen allele CA177236707.

ClinVar aggregate classification (germline): Uncertain significance (1 of 4 stars; one submission).

Allele frequency attached by ClinVar (database versions not stated): gnomAD 0.00001.
gnomAD v4.1: 9 of 1,613,884 alleles (0.00056%); highest among the groups gnomAD compares: South Asian, 0.0022%; no homozygotes.

Submission:

Labcorp Genetics (formerly Invitae), Labcorp
Classification: Uncertain significance. Last evaluated: 2022-03-10. Review status: criteria provided, single submitter. Criteria: Invitae Variant Classification Sherloc (09022015). Collection method: clinical testing. Allele origin: germline.
Comment: In summary, the available evidence is currently insufficient to determine the role of this variant in disease. Therefore, it has been classified as a Variant of Uncertain Significance. Algorithms developed to predict the effect of missense changes on protein structure and function (SIFT, PolyPhen-2, Align-GVGD) all suggest that this variant is likely to be disruptive. This variant has not been reported in the literature in individuals affected with RP1-related conditions. This variant is present in population databases (rs760968123, gnomAD 0.0009%). This sequence change replaces proline, which is neutral and non-polar, with leucine, which is neutral and non-polar, at codon 449 of the RP1 protein (p.Pro449Leu).